The following is an entry in ClinVar:

ClinVar aggregate classification (germline): Uncertain significance (1 of 4 stars; one submission).

Submission:

Labcorp Genetics (formerly Invitae), Labcorp
Classification: Uncertain significance. Last evaluated: 2023-08-07. Review status: criteria provided, single submitter. Criteria: Invitae Variant Classification Sherloc (09022015). Collection method: clinical testing. Allele origin: germline.
Comment: This variant is not present in population databases (gnomAD no frequency). This sequence change replaces lysine, which is basic and polar, with glutamine, which is neutral and polar, at codon 383 of the ANKZF1 protein (p.Lys383Gln). This variant has not been reported in the literature in individuals affected with ANKZF1-related conditions. An algorithm developed to predict the effect of missense changes on protein structure and function (PolyPhen-2) suggests that this variant is likely to be tolerated. In summary, the available evidence is currently insufficient to determine the role of this variant in disease. Therefore, it has been classified as a Variant of Uncertain Significance.

NM_018089.3(ANKZF1):c.1147A>C (p.Lys383Gln)

Gene: ANKZF1 (ankyrin repeat and zinc finger peptidyl tRNA hydrolase 1; plus strand). Cytogenetic location: 2q35.
Variant type: single nucleotide variant.
Coding change: c.1147A>C on transcript NM_018089.3 (MANE Select); coding-DNA position 1147, A replaced by C.
Protein change: p.Lys383Gln; replaces lysine 383 with glutamine.
Molecular consequence: missense variant.
Genome position (GRCh38, 1-based): chr2:219,234,231, A>C. VCF-style: chr2-219234231-A-C. GRCh37 (hg19) VCF-style: chr2-220098953-A-C.
Other names: c.1147A>C, p.Lys383Gln (NM_001042410.2); c.517A>C, p.Lys173Gln (NM_001282792.2); short protein forms K173Q, K383Q.
Identifiers: ClinVar variation 2751066 (VCV002751066.3), dbSNP rs2544923453, ClinGen allele CA350679137.